The following is an entry in ClinVar:

ClinVar aggregate classification (germline): Uncertain significance (1 of 4 stars; one submission).

Submission:

Labcorp Genetics (formerly Invitae), Labcorp
Classification: Uncertain significance. Last evaluated: 2023-06-23. Review status: criteria provided, single submitter. Criteria: Invitae Variant Classification Sherloc (09022015). Collection method: clinical testing. Allele origin: germline.
Comment: This sequence change creates a premature translational stop signal (p.Gln181Profs*29) in the HOXB13 gene. While this is not anticipated to result in nonsense mediated decay, it is expected to disrupt the last 104 amino acid(s) of the HOXB13 protein. This variant is not present in population databases (gnomAD no frequency). This variant has not been reported in the literature in individuals affected with HOXB13-related conditions. In summary, the available evidence is currently insufficient to determine the role of this variant in disease. Therefore, it has been classified as a Variant of Uncertain Significance.

NM_006361.6(HOXB13):c.541dup (p.Gln181fs)

Gene: HOXB13 (homeobox B13; minus strand). Cytogenetic location: 17q21.32.
Variant type: Duplication.
Coding change: c.541dup on transcript NM_006361.6 (MANE Select); coding-DNA position 541, one base duplicated (C; older notation c.541dupC).
Protein change: p.Gln181fs; shifts the reading frame from glutamine 181.
Molecular consequence: frameshift variant.
Genome position (GRCh38, 1-based): chr17:48,728,053, G duplicated on the plus strand (C on the coding strand, the reverse complement: HOXB13 is on the minus strand); the first of 2 consecutive G bases (chr17:48,728,053-48,728,054); duplicating either gives the same sequence. VCF-style (leftmost placement, unchanged base first): chr17-48728052-T-TG. GRCh37 (hg19) VCF-style: chr17-46805414-T-TG.
Other names: short protein forms Q181fs.
Identifiers: ClinVar variation 2995246 (VCV002995246.3), dbSNP rs2509514657, ClinGen allele CA2740093782.